The following is an entry in ClinVar:

NM_003906.5(MCM3AP):c.4376T>G (p.Leu1459Arg)

Genes: MCM3AP (minichromosome maintenance complex component 3 associated protein; minus strand), MCM3AP-AS1 (MCM3AP antisense RNA 1; plus strand). Cytogenetic location: 21q22.3.
Variant type: single nucleotide variant.
Coding change: c.4376T>G on transcript NM_003906.5 (MANE Select); coding-DNA position 4376, T replaced by G.
Protein change: p.Leu1459Arg; replaces leucine 1459 with arginine.
Molecular consequence: missense variant.
Genome position (GRCh38, 1-based): chr21:46,246,801, A>C on the plus strand (T>G on the coding strand, the complement: MCM3AP is on the minus strand). VCF-style: chr21-46246801-A-C. GRCh37 (hg19) VCF-style: chr21-47666715-A-C.
Other names: short protein forms L1459R.
Identifiers: ClinVar variation 3768624 (VCV003768624.1).

ClinVar aggregate classification (germline): Uncertain significance (1 of 4 stars; one submission).

Submission:

Women's Health and Genetics/Laboratory Corporation of America, LabCorp
Classification: Uncertain significance. Last evaluated: 2025-02-10. Review status: criteria provided, single submitter. Criteria: LabCorp Variant Classification Summary - May 2015. Collection method: clinical testing. Allele origin: germline.
Comment: Variant summary: MCM3AP c.4376T>G (p.Leu1459Arg) results in a non-conservative amino acid change in the encoded protein sequence. Four of five in-silico tools predict a damaging effect of the variant on protein function. The variant was absent in 251348 control chromosomes. The available data on variant occurrences in the general population are insufficient to allow any conclusion about variant significance. To our knowledge, no occurrence of c.4376T>G in individuals affected with Peripheral neuropathy, autosomal recessive, with or without impaired intellectual development and no experimental evidence demonstrating its impact on protein function have been reported. No submitters have cited clinical-significance assessments for this variant to ClinVar. Based on the evidence outlined above, the variant was classified as uncertain significance.